The following is an entry in ClinVar:

NM_002691.4(POLD1):c.971-5C>T

Gene: POLD1 (DNA polymerase delta 1, catalytic subunit; plus strand). Cytogenetic location: 19q13.33.
Variant type: single nucleotide variant.
Coding change: c.971-5C>T on transcript NM_002691.4 (MANE Select); 5 bases into the intron before coding-DNA position 971, C replaced by T.
Molecular consequence: intron variant.
Genome position (GRCh38, 1-based): chr19:50,403,048, C>T. VCF-style: chr19-50403048-C-T. GRCh37 (hg19) VCF-style: chr19-50906305-C-T.
Other names: c.971-5C>T (LRG_785t1, LRG_785t2, NM_001256849.1 and 1 more transcripts).
Identifiers: ClinVar variation 484346 (VCV000484346.19), dbSNP rs778993986, ClinGen allele CA9595994.
Genomic context (GRCh38, chr19:50,403,048, plus strand): 5'-CAGCCTCCCTGCTGTGTTGGGAGTGAGGGGCAGGAGTCAGGCCCCTGCATCCTCCTGCCT[C>T]GCAGGCATCTTCCCTGAGCCTGAGCGGGACCCTGTCATCCAGATCTGCTCGCTGGGCCTG-3'

ClinVar aggregate classification (germline): Conflicting classifications of pathogenicity. Review status: criteria provided, conflicting classifications (1 of 4 stars). 5 submissions from 5 submitters: Uncertain significance (1); Likely benign (4). Last evaluated 2025-12-15.

Conditions:
POLD1-related polyposis and colorectal cancer syndrome (CRCS10). Also called: Colorectal cancer 10; COLORECTAL CANCER, SUSCEPTIBILITY TO, ON CHROMOSOME 19q; Colorectal cancer, susceptibility to, 10. Identifiers: Orphanet 220460, MedGen C2675481, MONDO:0012953, OMIM 612591.
Hereditary cancer-predisposing syndrome. Also called: Tumor predisposition; Hereditary Cancer Syndrome; Hereditary neoplastic syndrome; Neoplastic Syndromes, Hereditary. Identifiers: Orphanet 140162, MedGen C0027672, MeSH D009386, MONDO:0015356.

gnomAD v4.1: 15 of 1,555,366 alleles (0.00096%); highest among the groups gnomAD compares: Non-Finnish European, 0.0012%; no homozygotes.

Submissions (5):

Labcorp Genetics (formerly Invitae), Labcorp
Classification: Likely benign for POLD1-related polyposis and colorectal cancer syndrome. Last evaluated: 2025-12-15. Review status: criteria provided, single submitter. Criteria: Invitae Variant Classification Sherloc (09022015). Collection method: clinical testing. Allele origin: germline.

Myriad Genetics, Inc.
Classification: Likely benign for POLD1-related polyposis and colorectal cancer syndrome. Last evaluated: 2025-02-05. Review status: criteria provided, single submitter. Criteria: Myriad Autosomal Dominant, Autosomal Recessive and X-Linked Classification Criteria (2023). Collection method: clinical testing. Allele origin: unknown.
Comment: This variant is considered likely benign. This variant is intronic and is not expected to impact mRNA splicing.

Ambry Genetics
Classification: Uncertain significance for Hereditary cancer-predisposing syndrome. Last evaluated: 2025-01-07. Review status: criteria provided, single submitter. Criteria: Ambry Variant Classification Scheme 2023. Collection method: clinical testing. Allele origin: germline.
Comment: The c.971-5C>T intronic variant results from a C to T substitution 5 nucleotides upstream from coding exon 8 in the POLD1 gene. This nucleotide position is not well conserved in available vertebrate species. In silico splice site analysis predicts that this alteration will not have any significant effect on splicing. Based on the available evidence, the clinical significance of this variant remains unclear.

Quest Diagnostics Nichols Institute San Juan Capistrano
Classification: Likely benign. Last evaluated: 2023-08-14. Review status: criteria provided, single submitter. Criteria: Quest Diagnostics criteria. Collection method: clinical testing. Allele origin: unknown.

GeneDx
Classification: Likely benign. Last evaluated: 2017-12-26. Review status: criteria provided, single submitter. Criteria: GeneDx Variant Classification (06012015). Collection method: clinical testing. Allele origin: germline. Affected: yes.
Comment: This variant is considered likely benign or benign based on one or more of the following criteria: it is a conservative change, it occurs at a poorly conserved position in the protein, it is predicted to be benign by multiple in silico algorithms, and/or has population frequency not consistent with disease.